The following is an entry in ClinVar:

NM_019892.6(INPP5E):c.1052G>A (p.Arg351His)

Gene: INPP5E (inositol polyphosphate-5-phosphatase E; minus strand). Cytogenetic location: 9q34.3.
Variant type: single nucleotide variant.
Coding change: c.1052G>A on transcript NM_019892.6 (MANE Select); coding-DNA position 1052, G replaced by A.
Protein change: p.Arg351His; replaces arginine 351 with histidine.
Molecular consequence: missense variant.
Genome position (GRCh38, 1-based): chr9:136,433,262, C>T on the plus strand (G>A on the coding strand, the complement: INPP5E is on the minus strand). VCF-style: chr9-136433262-C-T. GRCh37 (hg19) VCF-style: chr9-139327714-C-T.
Other names: c.1052G>A, p.Arg351His (NM_001318502.2); c.1052G>A (NM_019892.5); short protein forms R351H.
Identifiers: ClinVar variation 1038331 (VCV001038331.11), dbSNP rs775094328, ClinGen allele CA5336960.

ClinVar aggregate classification (germline): Conflicting classifications of pathogenicity. Review status: criteria provided, conflicting classifications (1 of 4 stars). 3 submissions from 3 submitters: Likely pathogenic (1); Uncertain significance (2). Last evaluated 2026-07-10.

Conditions:
INPP5E-related disorder. Also called: INPP5E-related condition.
Joubert syndrome. Also called: Familial aplasia of the vermis; JOUBERT-BOLTSHAUSER SYNDROME. Identifiers: Orphanet 475, MedGen C5979921, MONDO:0018772.

Allele frequency attached by ClinVar (database versions not stated): gnomAD 0.00001; TOPMed 0.00002.
gnomAD v4.1: 8 of 1,585,762 alleles (0.0005%); highest among the groups gnomAD compares: East Asian, 0.0023%; no homozygotes.

Submissions (3):

PreventionGenetics, part of Exact Sciences
Classification: Uncertain significance for INPP5E-related condition. Last evaluated: 2026-07-10. Review status: criteria provided, single submitter. Criteria: ACMG Guidelines, 2015. Collection method: clinical testing. Allele origin: germline.
Comment: The INPP5E c.1052G>A variant is predicted to result in the amino acid substitution p.Arg351His. To our knowledge, this variant has not been reported in the literature. This variant is reported in 0.0076% of alleles in individuals of African descent in gnomAD. At this time, the clinical significance of this variant is uncertain due to the absence of conclusive functional and genetic evidence.

Labcorp Genetics (formerly Invitae), Labcorp
Classification: Likely pathogenic for Joubert syndrome. Last evaluated: 2025-12-22. Review status: criteria provided, single submitter. Criteria: Invitae Variant Classification Sherloc (09022015). Collection method: clinical testing. Allele origin: germline.
Comment: This sequence change replaces arginine, which is basic and polar, with histidine, which is basic and polar, at codon 351 of the INPP5E protein (p.Arg351His). This variant is present in population databases (rs775094328, gnomAD 0.008%). This missense change has been observed in individuals with retinitis pigmentosa (internal data). ClinVar contains an entry for this variant (Variation ID: 1038331). Invitae Evidence Modeling of protein sequence and biophysical properties (such as structural, functional, and spatial information, amino acid conservation, physicochemical variation, residue mobility, and thermodynamic stability) has been performed for this missense variant. However, the output from this modeling did not meet the statistical confidence thresholds required to predict the impact of this variant on INPP5E protein function. In summary, the currently available evidence indicates that the variant is pathogenic, but additional data are needed to prove that conclusively. Therefore, this variant has been classified as Likely Pathogenic.

Blueprint Genetics
Classification: Uncertain significance. Last evaluated: 2021-10-08. Review status: criteria provided, single submitter. Criteria: ACMG Guidelines, 2015. Collection method: clinical testing. Allele origin: germline.